The following is an entry in ClinVar:

NM_003846.3(PEX11B):c.95T>C (p.Leu32Pro)

Gene: PEX11B (peroxisomal biogenesis factor 11 beta; minus strand). Cytogenetic location: 1q21.1.
Variant type: single nucleotide variant.
Coding change: c.95T>C on transcript NM_003846.3 (MANE Select); coding-DNA position 95, T replaced by C.
Protein change: p.Leu32Pro; replaces leucine 32 with proline.
Molecular consequence: missense variant. On other transcripts: non-coding transcript variant (3).
Genome position (GRCh38, 1-based): chr1:145,917,778, A>G on the plus strand (T>C on the coding strand, the complement: PEX11B is on the minus strand). VCF-style: chr1-145917778-A-G. GRCh37 (hg19) VCF-style: chr1-145517311-T-C.
Other names: c.53T>C, p.Leu18Pro (NM_001184795.1); short protein forms L32P, L18P.
Identifiers: ClinVar variation 1377323 (VCV001377323.6), dbSNP rs2101864484, ClinGen allele CA342124359.

ClinVar aggregate classification (germline): Uncertain significance (1 of 4 stars; one submission).

Allele frequency attached by ClinVar (database versions not stated): gnomAD exomes below 0.00001.

Submission:

Labcorp Genetics (formerly Invitae), Labcorp
Classification: Uncertain significance. Last evaluated: 2021-08-30. Review status: criteria provided, single submitter. Criteria: Invitae Variant Classification Sherloc (09022015). Collection method: clinical testing. Allele origin: germline.
Comment: In summary, the available evidence is currently insufficient to determine the role of this variant in disease. Therefore, it has been classified as a Variant of Uncertain Significance. Algorithms developed to predict the effect of missense changes on protein structure and function (SIFT, PolyPhen-2, Align-GVGD) all suggest that this variant is likely to be disruptive. This variant has not been reported in the literature in individuals affected with PEX11B-related conditions. This variant is not present in population databases (ExAC no frequency). This sequence change replaces leucine with proline at codon 32 of the PEX11B protein (p.Leu32Pro). The leucine residue is highly conserved and there is a moderate physicochemical difference between leucine and proline.